The following is an entry in ClinVar:

NM_015072.5(TTLL5):c.2497G>C (p.Asp833His)

Gene: TTLL5 (tubulin tyrosine ligase like 5; plus strand). Cytogenetic location: 14q24.3.
Variant type: single nucleotide variant.
Coding change: c.2497G>C on transcript NM_015072.5 (MANE Select); coding-DNA position 2497, G replaced by C.
Protein change: p.Asp833His; replaces aspartic acid 833 with histidine.
Molecular consequence: missense variant.
Genome position (GRCh38, 1-based): chr14:75,779,684, G>C. VCF-style: chr14-75779684-G-C. GRCh37 (hg19) VCF-style: chr14-76246027-G-C.
Other names: short protein forms D833H.
Identifiers: ClinVar variation 2038347 (VCV002038347.8), dbSNP rs369185041, ClinGen allele CA7279712.

ClinVar aggregate classification (germline): Uncertain significance. Review status: criteria provided, multiple submitters, no conflicts (2 of 4 stars). 3 submissions from 3 submitters: Uncertain significance (3). Last evaluated 2025-03-18.

Conditions:
Inborn genetic diseases. Identifiers: MedGen C0950123, MeSH D030342.

Allele frequency attached by ClinVar (database versions not stated): ExAC 0.00002; gnomAD 0.00004; gnomAD exomes below 0.00001; TOPMed 0.00005; ESP Exome Variant Server 0.00015.
gnomAD v4.1: 12 of 1,612,324 alleles (0.00074%); highest among the groups gnomAD compares: African/African-American, 0.013%; no homozygotes.

Submissions (3):

Ambry Genetics
Classification: Uncertain significance for Inborn genetic diseases. Last evaluated: 2025-03-18. Review status: criteria provided, single submitter. Criteria: Ambry Variant Classification Scheme 2023. Collection method: clinical testing. Allele origin: germline.

Dasa
Classification: Uncertain significance. Last evaluated: 2025-01-15. Review status: criteria provided, single submitter. Criteria: DASA Assertion Criteria. Collection method: clinical testing. Allele origin: germline.
Comment: NM_015072.5(TTLL5):c.2497G>C (p.Asp833His) is a missense variant that results in the substitution of aspartic acid with histidine. This variant is rare in population databases. Computational prediction algorithms are consistent with a benign effect. The currently available literature and clinical evidence are not sufficient to establish a definitive association between this variant and the reported condition. Therefore, this variant is classified as a variant of uncertain significance.

Labcorp Genetics (formerly Invitae), Labcorp
Classification: Uncertain significance. Last evaluated: 2022-07-19. Review status: criteria provided, single submitter. Criteria: Invitae Variant Classification Sherloc (09022015). Collection method: clinical testing. Allele origin: germline.
Comment: In summary, the available evidence is currently insufficient to determine the role of this variant in disease. Therefore, it has been classified as a Variant of Uncertain Significance. Algorithms developed to predict the effect of missense changes on protein structure and function are either unavailable or do not agree on the potential impact of this missense change (SIFT: "Deleterious"; PolyPhen-2: "Possibly Damaging"; Align-GVGD: "Class C0"). This variant has not been reported in the literature in individuals affected with TTLL5-related conditions. This variant is present in population databases (rs369185041, gnomAD 0.02%). This sequence change replaces aspartic acid, which is acidic and polar, with histidine, which is basic and polar, at codon 833 of the TTLL5 protein (p.Asp833His).